The following is an entry in ClinVar:

NM_001039213.4(CEACAM16):c.828C>A (p.Asp276Glu)

Genes: CEACAM16 (CEA cell adhesion molecule 16, tectorial membrane component; plus strand), CEACAM16-AS1 (CEACAM16, CEACAM19 and PVR antisense RNA 1; minus strand). Cytogenetic location: 19q13.32.
Variant type: single nucleotide variant.
Coding change: c.828C>A on transcript NM_001039213.4 (MANE Select); coding-DNA position 828, C replaced by A.
Protein change: p.Asp276Glu; replaces aspartic acid 276 with glutamic acid.
Molecular consequence: missense variant.
Genome position (GRCh38, 1-based): chr19:44,705,756, C>A. VCF-style: chr19-44705756-C-A. GRCh37 (hg19) VCF-style: chr19-45209026-C-A.
Other names: short protein forms D276E.
Identifiers: ClinVar variation 618011 (VCV000618011.10), dbSNP rs554754239, ClinGen allele CA9503156.

ClinVar aggregate classification (germline): Uncertain significance. Review status: criteria provided, multiple submitters, no conflicts (2 of 4 stars). 2 submissions from 2 submitters: Uncertain significance (2). Last evaluated 2026-02-16.

Allele frequency attached by ClinVar (database versions not stated): TOPMed 0.00001; gnomAD 0.00003; ExAC 0.00004; 1000 Genomes Project 30x 0.00016; 1000 Genomes Project 0.00020.
gnomAD v4.1: 20 of 1,614,022 alleles (0.0012%); highest among the groups gnomAD compares: East Asian, 0.045%; no homozygotes.

Submissions (2):

GeneDx
Classification: Uncertain significance. Last evaluated: 2026-02-16. Review status: criteria provided, single submitter. Criteria: GeneDx Variant Classification Process June 2021. Collection method: clinical testing. Allele origin: germline.
Comment: In silico analysis suggests that this missense variant does not alter protein structure/function; Has not been previously published as pathogenic or benign to our knowledge

ARUP Laboratories, Molecular Genetics and Genomics, ARUP Laboratories
Classification: Uncertain significance. Last evaluated: 2017-09-22. Review status: criteria provided, single submitter. Criteria: ARUP Molecular Germline Variant Investigation Process. Collection method: clinical testing. Allele origin: germline.
Comment: The c.828C>A; p.Asp276Glu variant (rs554754239) has not been reported in the medical literature, nor has it been previously identified by our laboratory. This variant is listed in the Genome Aggregation Database (gnomAD) with a frequency of 0.06 percent in the East Asian population (identified on 12 out of 18,868 chromosomes). The aspartic acid at position 276 is highly conserved considering 19 species and computational analyses of the effects of the p.Asp276Glu variant on protein structure and function provide conflicting results (SIFT: tolerated, MutationTaster: polymorphism, PolyPhen-2: possibly damaging). Altogether, there is not enough evidence to classify the p.Asp276Glu variant with certainty.